The following is an entry in ClinVar:

NM_017617.5(NOTCH1):c.3344T>C (p.Leu1115Pro)

Gene: NOTCH1 (notch receptor 1; minus strand). Cytogenetic location: 9q34.3.
Variant type: single nucleotide variant.
Coding change: c.3344T>C on transcript NM_017617.5 (MANE Select); coding-DNA position 3344, T replaced by C.
Protein change: p.Leu1115Pro; replaces leucine 1115 with proline.
Molecular consequence: missense variant.
Genome position (GRCh38, 1-based): chr9:136,508,121, A>G on the plus strand (T>C on the coding strand, the complement: NOTCH1 is on the minus strand). VCF-style: chr9-136508121-A-G. GRCh37 (hg19) VCF-style: chr9-139402573-A-G.
Other names: short protein forms L1115P.
Identifiers: ClinVar variation 2896147 (VCV002896147.3), dbSNP rs2540442500, ClinGen allele CA375551612.

ClinVar aggregate classification (germline): Uncertain significance (1 of 4 stars; one submission).

Conditions:
Adams-Oliver syndrome 5 (AOS5). Identifiers: Orphanet 974, MedGen C4014970, MONDO:0014459, OMIM 616028.

Allele frequency attached by ClinVar (database versions not stated): gnomAD exomes below 0.00001.
gnomAD v4.1: 3 of 1,608,384 alleles (0.00019%); highest among the groups gnomAD compares: Non-Finnish European, 0.00025%; no homozygotes.

Submission:

Labcorp Genetics (formerly Invitae), Labcorp
Classification: Uncertain significance for Adams-Oliver syndrome 5. Last evaluated: 2023-05-30. Review status: criteria provided, single submitter. Criteria: Invitae Variant Classification Sherloc (09022015). Collection method: clinical testing. Allele origin: germline.
Comment: This variant is not present in population databases (gnomAD no frequency). This sequence change replaces leucine, which is neutral and non-polar, with proline, which is neutral and non-polar, at codon 1115 of the NOTCH1 protein (p.Leu1115Pro). In summary, the available evidence is currently insufficient to determine the role of this variant in disease. Therefore, it has been classified as a Variant of Uncertain Significance. Advanced modeling of protein sequence and biophysical properties (such as structural, functional, and spatial information, amino acid conservation, physicochemical variation, residue mobility, and thermodynamic stability) performed at Invitae indicates that this missense variant is not expected to disrupt NOTCH1 protein function. This variant has not been reported in the literature in individuals affected with NOTCH1-related conditions.